The following is an entry in ClinVar:

NM_000400.4(ERCC2):c.1758+1G>T

Gene: ERCC2 (ERCC excision repair 2, TFIIH core complex helicase subunit; minus strand). Cytogenetic location: 19q13.32.
Variant type: single nucleotide variant.
Coding change: c.1758+1G>T on transcript NM_000400.4 (MANE Select); the canonical splice donor site of the intron after coding-DNA position 1758, G replaced by T.
Molecular consequence: splice donor variant.
Genome position (GRCh38, 1-based): chr19:45,353,241, C>A on the plus strand (G>T on the coding strand, the complement: ERCC2 is on the minus strand). VCF-style: chr19-45353241-C-A. GRCh37 (hg19) VCF-style: chr19-45856499-C-A.
Identifiers: ClinVar variation 2630449 (VCV002630449.1), dbSNP rs760834687, ClinGen allele CA406364269.
Genomic context (GRCh38, chr19:45,353,241, plus strand): 5'-GTTAGGTCACTCCTCAGAGCCACCTCCCCGACCCCTCTCCACGCTGGCCTCGCACACCCA[C>A]CTCCTGGTACTTCTCCAGGGCGACACTGGTTTCGGCACCATCCTGGGTCTCAATAAAGAG-3'

ClinVar aggregate classification (germline): Likely pathogenic (1 of 4 stars; one submission).

Conditions:
ERCC2-related disorder. Also called: ERCC2-related conditions; ERCC2-related condition; ERCC2-related disorders. Identifiers: MedGen CN239291.

Submission:

PreventionGenetics, part of Exact Sciences
Classification: Likely pathogenic for ERCC2-related condition. Last evaluated: 2023-02-23. Review status: criteria provided, single submitter. Criteria: ACMG Guidelines, 2015. Collection method: clinical testing. Allele origin: germline.
Comment: The ERCC2 c.1758+1G>T variant is predicted to disrupt the GT donor site and interfere with normal splicing. To our knowledge, this variant has not been reported in the literature or in a large population database, indicating this variant is rare. Variants that disrupt the consensus splice donor site in ERCC2 are expected to be pathogenic. This variant is interpreted as likely pathogenic.